The following is an entry in ClinVar:

NM_003000.3(SDHB):c.643G>A (p.Ala215Thr)

Gene: SDHB (succinate dehydrogenase complex iron sulfur subunit B; minus strand). Cytogenetic location: 1p36.13.
Variant type: single nucleotide variant.
Coding change: c.643G>A on transcript NM_003000.3 (MANE Select); coding-DNA position 643, G replaced by A.
Protein change: p.Ala215Thr; replaces alanine 215 with threonine.
Molecular consequence: missense variant.
Genome position (GRCh38, 1-based): chr1:17,022,730, C>T on the plus strand (G>A on the coding strand, the complement: SDHB is on the minus strand). VCF-style: chr1-17022730-C-T. GRCh37 (hg19) VCF-style: chr1-17349225-C-T.
Other names: c.589G>A, p.Ala197Thr (NM_001407361.1); short protein forms A215T, A197T.
Identifiers: ClinVar variation 1753536 (VCV001753536.3), dbSNP rs772798766, ClinGen allele CA089701.
Genomic context (GRCh38, chr1:17,022,730, plus strand): 5'-GCAGCTTGGCCAGGCGCTCCTCTGTGAAGTCATCTCTGGAGTCAATCATCCAGCGATAGG[C>T]CTGGAAAACCAGGGATGATTAGCTGAGCTGCCAATCAACAGGCCAGAGCGGCACCCTGGC-3'
Protein context (NP_002991.2, residues 205-225): KYLGPAVLMQ[Ala215Thr]YRWMIDSRDD

ClinVar aggregate classification (germline): Uncertain significance (1 of 4 stars; one submission).

Conditions:
Hereditary cancer-predisposing syndrome. Also called: Neoplastic Syndromes, Hereditary; Tumor predisposition; Hereditary Cancer Syndrome; Hereditary neoplastic syndrome. Identifiers: Orphanet 140162, MedGen C0027672, MeSH D009386, MONDO:0015356.

Allele frequency attached by ClinVar (database versions not stated): gnomAD exomes below 0.00001; ExAC 0.00001.
gnomAD v4.1: 1 of 1,613,232 alleles (0.000062%); highest among the groups gnomAD compares: Non-Finnish European, 0.000085%; no homozygotes.

Submission:

Ambry Genetics
Classification: Uncertain significance for Hereditary cancer-predisposing syndrome. Last evaluated: 2025-11-20. Review status: criteria provided, single submitter. Criteria: Ambry Variant Classification Scheme 2023. Collection method: clinical testing. Allele origin: germline.
Comment: The p.A215T variant (also known as c.643G>A) is located in coding exon 7 of the SDHB gene. The alanine at codon 215 is replaced by threonine, an amino acid with similar properties. This change occurs in the first base pair of coding exon 7. This amino acid position is highly conserved in available vertebrate species. In addition, this alteration is predicted to be deleterious by in silico analysis. Based on the available evidence, the clinical significance of this variant remains unclear.